The following is an entry in ClinVar:

ClinVar aggregate classification (germline): Uncertain significance. Review status: criteria provided, multiple submitters, no conflicts (2 of 4 stars). 2 submissions from 2 submitters: Uncertain significance (2). Last evaluated 2025-05-11.

Conditions:
Inborn genetic diseases. Identifiers: MedGen C0950123, MeSH D030342.

Allele frequency attached by ClinVar (database versions not stated): ExAC 0.00002; gnomAD exomes 0.00001; TOPMed below 0.00001.
gnomAD v4.1: 10 of 1,614,214 alleles (0.00062%); highest among the groups gnomAD compares: Non-Finnish European, 0.00085%; no homozygotes.

Submissions (2):

Labcorp Genetics (formerly Invitae), Labcorp
Classification: Uncertain significance. Last evaluated: 2025-05-11. Review status: criteria provided, single submitter. Criteria: Invitae Variant Classification Sherloc (09022015). Collection method: clinical testing. Allele origin: germline.
Comment: This sequence change replaces arginine, which is basic and polar, with serine, which is neutral and polar, at codon 1737 of the DNAH9 protein (p.Arg1737Ser). This variant is present in population databases (rs756004223, gnomAD 0.0009%). This variant has not been reported in the literature in individuals affected with DNAH9-related conditions. ClinVar contains an entry for this variant (Variation ID: 2265648). An algorithm developed to predict the effect of missense changes on protein structure and function (PolyPhen-2) suggests that this variant is likely to be tolerated. In summary, the available evidence is currently insufficient to determine the role of this variant in disease. Therefore, it has been classified as a Variant of Uncertain Significance.

Ambry Genetics
Classification: Uncertain significance for Inborn genetic diseases. Last evaluated: 2021-12-07. Review status: criteria provided, single submitter. Criteria: Ambry Variant Classification Scheme 2023. Collection method: clinical testing. Allele origin: germline.

NM_001372.4(DNAH9):c.5211G>C (p.Arg1737Ser)

Gene: DNAH9 (dynein axonemal heavy chain 9; plus strand). Cytogenetic location: 17p12.
Variant type: single nucleotide variant.
Coding change: c.5211G>C on transcript NM_001372.4 (MANE Select); coding-DNA position 5211, G replaced by C.
Protein change: p.Arg1737Ser; replaces arginine 1737 with serine.
Molecular consequence: missense variant.
Genome position (GRCh38, 1-based): chr17:11,704,262, G>C. VCF-style: chr17-11704262-G-C. GRCh37 (hg19) VCF-style: chr17-11607579-G-C.
Other names: short protein forms R1737S.
Identifiers: ClinVar variation 2265648 (VCV002265648.4), dbSNP rs756004223, ClinGen allele CA8395954.
Genomic context (GRCh38, chr17:11,704,262, plus strand): 5'-GGTGGCCCTGACCTGTACTCAGATCTGGTGGACAACAGAAGTGGGCATGGCATTTGCCAG[G>C]CTGGAGGAAGGCTATGAGAGTGCCATGAAGGACTATTATAAGAAGCAAGTGGCCCAGCTC-3'
Protein context (NP_001363.2, residues 1727-1747): WTTEVGMAFA[Arg1737Ser]LEEGYESAMK